The following is an entry in ClinVar:

NM_152564.5(VPS13B):c.1491A>C (p.Ser497=)

Gene: VPS13B (vacuolar protein sorting 13 homolog B; plus strand). Cytogenetic location: 8q22.2.
Variant type: single nucleotide variant.
Coding change: c.1491A>C on transcript NM_152564.5 (MANE Select); coding-DNA position 1491, A replaced by C.
Protein change: p.Ser497=; no amino-acid change (serine 497 retained).
Molecular consequence: synonymous variant.
Genome position (GRCh38, 1-based): chr8:99,135,661, A>C. VCF-style: chr8-99135661-A-C. GRCh37 (hg19) VCF-style: chr8-100147889-A-C.
Other names: c.1491A>C (NM_152564.4); c.1491A>C, p.Ser497= (NM_015243.3, NM_017890.5).
Identifiers: ClinVar variation 1160466 (VCV001160466.14), dbSNP rs374276141, ClinGen allele CA4822640.

ClinVar aggregate classification (germline): Likely benign. Review status: criteria provided, multiple submitters, no conflicts (2 of 4 stars). 4 submissions from 4 submitters: Likely benign (3). 1 of the submissions does not count toward it. Last evaluated 2025-11-08.

Conditions:
VPS13B-related disorder. Also called: VPS13B-related condition.
Cohen syndrome (COH1). Also called: PEPPER SYNDROME; Cutis verticis gyrata, retinitis pigmentosa, and sensorineural deafness. Identifiers: Orphanet 193, MedGen C0265223, MONDO:0008999, OMIM 216550.
Inborn genetic diseases. Identifiers: MedGen C0950123, MeSH D030342.

Allele frequency attached by ClinVar (database versions not stated): ESP Exome Variant Server 0.00008.
gnomAD v4.1: 109 of 1,613,370 alleles (0.0068%); highest among the groups gnomAD compares: Non-Finnish European, 0.0091%; no homozygotes.

Submissions (4):

Labcorp Genetics (formerly Invitae), Labcorp
Classification: Likely benign for Cohen syndrome. Last evaluated: 2025-11-08. Review status: criteria provided, single submitter. Criteria: Invitae Variant Classification Sherloc (09022015). Collection method: clinical testing. Allele origin: germline.

Blueprint Genetics
Classification: Likely benign. Last evaluated: 2023-01-03. Review status: criteria provided, single submitter. Criteria: ACMG Guidelines, 2015. Collection method: clinical testing. Allele origin: germline.

Ambry Genetics
Classification: Likely benign for Inborn genetic diseases. Last evaluated: 2018-05-17. Review status: criteria provided, single submitter. Criteria: Ambry Variant Classification Scheme 2023. Collection method: clinical testing. Allele origin: germline.

PreventionGenetics, part of Exact Sciences
Classification: Likely benign for VPS13B-related condition. Last evaluated: 2022-07-27. Review status: no assertion criteria provided. Collection method: clinical testing. Allele origin: germline. Not counted in ClinVar's aggregate classification.
Comment: This variant is classified as likely benign based on ACMG/AMP sequence variant interpretation guidelines (Richards et al. 2015 PMID: 25741868, with internal and published modifications).